The following is an entry in ClinVar:

ClinVar aggregate classification (germline): Uncertain significance. Review status: criteria provided, multiple submitters, no conflicts (2 of 4 stars). 3 submissions from 3 submitters: Uncertain significance (2). 1 of the submissions does not count toward it. Last evaluated 2024-10-29.

Conditions:
ABCB4-related disorder. Also called: ABCB4-related disorders; ABCB4-related condition.
Inborn genetic diseases. Identifiers: MedGen C0950123, MeSH D030342.
Low phospholipid associated cholelithiasis (GBD1). Also called: Gallstone cholecystitis; Gallbladder disease 1. Identifiers: Orphanet 69663, MedGen C2609268, MONDO:0010939, OMIM 600803.

gnomAD v4.1: 98 of 1,613,796 alleles (0.0061%); highest among the groups gnomAD compares: Non-Finnish European, 0.0077%; no homozygotes.

Submissions (3):

Ambry Genetics
Classification: Uncertain significance for Inborn genetic diseases. Last evaluated: 2024-10-29. Review status: criteria provided, single submitter. Criteria: Ambry Variant Classification Scheme 2023. Collection method: clinical testing. Allele origin: germline.

Victorian Clinical Genetics Services, Murdoch Childrens Research Institute
Classification: Uncertain significance for Low phospholipid associated cholelithiasis. Last evaluated: 2022-09-02. Review status: criteria provided, single submitter. Criteria: ACMG Guidelines, 2015. Collection method: clinical testing. Allele origin: germline. Affected: yes.
Comment: Based on the classification scheme VCGS_Germline_v1.3.4, this variant is classified as VUS-3C. Following criteria are met: 0102 - Loss of function is a known mechanism of disease in this gene and is associated with intrahepatic cholestasis of pregnancy, 3 (ICP-3; MIM#614972), low phospholipid-associated cholelithiasis (LPAC; MIM# 600803) and progressive familial intrahepatic cholestasis, 3 (PFIC; MIM#602347). (I) 0108 - This gene is associated with both recessive and dominant disease. PFIC is inherited in a recessive manner, whereas ICP-3 and LPAC can be either dominant or recessive. Biallelic variants typically demonstrate less residual protein activity, resulting in earlier onset of the condition with a more severe phenotype (OMIM, PMIDs: 24806754, 32376413). (I) 0200 - Variant is predicted to result in a missense amino acid change from glutamic acid to lysine. (I) 0251 - This variant is heterozygous. (I) 0304 - Variant is present in gnomAD (v3) <0.01 for a recessive condition (10 heterozygotes, 0 homozygotes). (SP) 0309 - An alternative amino acid change at the same position has been observed in gnomAD (v2) (122 heterozygotes, 1 homozygote). (I) 0502 - Missense variant with conflicting in silico predictions and low conservation. (I) 0600 - Variant is located in the annotated ABC transporter domain (DECIPHER). (I) 0710 - Another missense variant comparable to the one identified in this case has inconclusive previous evidence for pathogenicity. p.(Glu1099Gly) has been classified as a VUS by multiple clinical laboratories in ClinVar and observed in a control cohort in the literature (PMIDs: 16763017, 14999697). (I) 0807 - This variant has no previous evidence of pathogenicity. (I) 0905 - No published segregation evidence has been identified for this variant. (I) 1007 - No published functional evidence has been identified for this variant. (I) 1208 - Inheritance information for this variant is not currently available in this individual. (I) Legend: (SP) - Supporting pathogenic, (I) - Information, (SB) - Supporting benign

PreventionGenetics, part of Exact Sciences
Classification: Uncertain significance for ABCB4-related condition. Last evaluated: 2024-06-11. Review status: no assertion criteria provided. Collection method: clinical testing. Allele origin: germline. Not counted in ClinVar's aggregate classification.
Comment: The ABCB4 c.3295G>A variant is predicted to result in the amino acid substitution p.Glu1099Lys. To our knowledge, this variant has not been reported in the literature. This variant is reported in 0.0054% of alleles in individuals of European (Non-Finnish) descent in gnomAD. At this time, the clinical significance of this variant is uncertain due to the absence of conclusive functional and genetic evidence.

Literature cited by the submitters: PubMed 14999697 (cited by Victorian Clinical Genetics Services, Murdoch Childrens Research Institute); PubMed 16763017 (cited by Victorian Clinical Genetics Services, Murdoch Childrens Research Institute); PubMed 24806754 (cited by Victorian Clinical Genetics Services, Murdoch Childrens Research Institute); PubMed 32376413 (cited by Victorian Clinical Genetics Services, Murdoch Childrens Research Institute).

NM_000443.4(ABCB4):c.3295G>A (p.Glu1099Lys)

Gene: ABCB4 (ATP binding cassette subfamily B member 4; minus strand). Cytogenetic location: 7q21.12.
Variant type: single nucleotide variant.
Coding change: c.3295G>A on transcript NM_000443.4 (MANE Select); coding-DNA position 3295, G replaced by A.
Protein change: p.Glu1099Lys; replaces glutamic acid 1099 with lysine.
Molecular consequence: missense variant.
Genome position (GRCh38, 1-based): chr7:87,406,479, C>T on the plus strand (G>A on the coding strand, the complement: ABCB4 is on the minus strand). VCF-style: chr7-87406479-C-T. GRCh37 (hg19) VCF-style: chr7-87035795-C-T.
Other names: c.3316G>A, p.Glu1106Lys (NM_018849.3); c.3154G>A, p.Glu1052Lys (NM_018850.3); short protein forms E1052K, E1099K, E1106K.
Identifiers: ClinVar variation 3353160 (VCV003353160.3).
Genomic context (GRCh38, chr7:87,406,479, plus strand): 5'-GCTCCTGAGACACGATTCCGAGTTGAGCTCTGAGCCACTGGACATTGAGTTTCTTTGCTT[C>T]TTGACCATCGAGAAGCTGAAAACCAAAGTCCACAAACTATAAGAAGGGTATAAAAAAGAA-3'
Protein context (NP_000434.1, residues 1089-1109): LAGTVLLDGQ[Glu1099Lys]AKKLNVQWLR